The following is an entry in ClinVar:

ClinVar aggregate classification (germline): Likely benign (1 of 4 stars; one submission).

Allele frequency attached by ClinVar (database versions not stated): 1000 Genomes Project 0.00040; 1000 Genomes Project 30x 0.00047; gnomAD 0.00079; ExAC 0.00097; ESP Exome Variant Server 0.00131.
gnomAD v4.1: 1,961 of 1,614,154 alleles (0.12%); highest among the groups gnomAD compares: Non-Finnish European, 0.15%; 7 homozygotes.

Submission:

CeGaT Center for Human Genetics Tuebingen
Classification: Likely benign. Last evaluated: 2023-08-01. Review status: criteria provided, single submitter. Criteria: CeGaT Center For Human Genetics Tuebingen Variant Classification Criteria Version 2. Collection method: clinical testing. Allele origin: germline. Affected: yes. Observed: 1 variant allele.
Comment: KIAA0319: BP4, BP7

NM_014809.4(KIAA0319):c.1971C>T (p.Phe657=)

Gene: KIAA0319 (KIAA0319; minus strand). Cytogenetic location: 6p22.3.
Variant type: single nucleotide variant.
Coding change: c.1971C>T on transcript NM_014809.4 (MANE Select); coding-DNA position 1971, C replaced by T.
Protein change: p.Phe657=; no amino-acid change (phenylalanine 657 retained).
Molecular consequence: synonymous variant.
Genome position (GRCh38, 1-based): chr6:24,569,923, G>A on the plus strand (C>T on the coding strand, the complement: KIAA0319 is on the minus strand). VCF-style: chr6-24569923-G-A. GRCh37 (hg19) VCF-style: chr6-24570151-G-A.
Other names: c.1944C>T, p.Phe648= (NM_001168374.2); c.1971C>T, p.Phe657= (NM_001168375.2, NM_001168377.2, NM_001350403.2 and 2 more transcripts); c.1836C>T, p.Phe612= (NM_001168376.2, NM_001350406.2); c.204C>T, p.Phe68= (NM_001252328.2); c.1953C>T, p.Phe651= (NM_001350404.2); c.1872C>T, p.Phe624= (NM_001350405.2); c.1515C>T, p.Phe505= (NM_001350409.2, NM_001350410.2).
Identifiers: ClinVar variation 2656286 (VCV002656286.24), dbSNP rs41271797, ClinGen allele CA3657341.